The following is an entry in ClinVar:

ClinVar aggregate classification (germline): Uncertain significance. Review status: criteria provided, multiple submitters, no conflicts (2 of 4 stars). 2 submissions from 2 submitters: Uncertain significance (2). Last evaluated 2025-12-31.

Conditions:
Bethlem myopathy 1A. Also called: MYOPATHY, BENIGN CONGENITAL, WITH CONTRACTURES; Bethlem myopathy 1; Bethlem Muscular Dystrophy. Identifiers: Orphanet 610, MedGen CN029274, MONDO:0024530, OMIM 158810.

Allele frequency attached by ClinVar (database versions not stated): gnomAD exomes 0.00002.
gnomAD v4.1: 10 of 1,560,890 alleles (0.00064%); highest among the groups gnomAD compares: East Asian, 0.021%; no homozygotes.

Submissions (2):

Labcorp Genetics (formerly Invitae), Labcorp
Classification: Uncertain significance for Bethlem myopathy 1A. Last evaluated: 2025-12-31. Review status: criteria provided, single submitter. Criteria: Invitae Variant Classification Sherloc (09022015). Collection method: clinical testing. Allele origin: germline.
Comment: This sequence change replaces glycine, which is neutral and non-polar, with serine, which is neutral and polar, at codon 439 of the COL6A2 protein (p.Gly439Ser). The frequency data for this variant in the population databases is considered unreliable, as metrics indicate poor data quality at this position in the gnomAD database. This variant has not been reported in the literature in individuals affected with COL6A2-related conditions. ClinVar contains an entry for this variant (Variation ID: 2688837). Invitae Evidence Modeling of protein sequence and biophysical properties (such as structural, functional, and spatial information, amino acid conservation, physicochemical variation, residue mobility, and thermodynamic stability) indicates that this missense variant is expected to disrupt COL6A2 protein function with a positive predictive value of 80%. This variant disrupts the triple helix domain of COL6A2. Glycine residues within the Gly-Xaa-Yaa repeats of the triple helix domain are required for the structure and stability of fibrillar collagens (PMID: 7695699, 8218237, 19344236). In COL6A2, missense variants at these glycine residues are significantly enriched in individuals with autosomal dominant disease (PMID: 15689448, 24038877) compared to the general population (ExAC). In summary, the available evidence is currently insufficient to determine the role of this variant in disease. Therefore, it has been classified as a Variant of Uncertain Significance.

Revvity Omics, Revvity
Classification: Uncertain significance. Last evaluated: 2023-06-27. Review status: criteria provided, single submitter. Criteria: ACMG Guidelines, 2015. Collection method: clinical testing. Allele origin: germline.

Literature cited by the submitters: PubMed 7695699 (cited by Labcorp Genetics (formerly Invitae), Labcorp); PubMed 8218237 (cited by Labcorp Genetics (formerly Invitae), Labcorp); PubMed 19344236 (cited by Labcorp Genetics (formerly Invitae), Labcorp); PubMed 15689448 (cited by Labcorp Genetics (formerly Invitae), Labcorp); PubMed 24038877 (cited by Labcorp Genetics (formerly Invitae), Labcorp).

NM_001849.4(COL6A2):c.1315G>A (p.Gly439Ser)

Gene: COL6A2 (collagen type VI alpha 2 chain; plus strand). Cytogenetic location: 21q22.3.
Variant type: single nucleotide variant.
Coding change: c.1315G>A on transcript NM_001849.4 (MANE Select); coding-DNA position 1315, G replaced by A.
Protein change: p.Gly439Ser; replaces glycine 439 with serine.
Molecular consequence: missense variant.
Genome position (GRCh38, 1-based): chr21:46,119,833, G>A. VCF-style: chr21-46119833-G-A. GRCh37 (hg19) VCF-style: chr21-47539747-G-A.
Other names: c.1315G>A, p.Gly439Ser (NM_058174.3, NM_058175.3); short protein forms G439S.
Identifiers: ClinVar variation 2688837 (VCV002688837.3), dbSNP rs865842163, ClinGen allele CA410530460.